The following is an entry in ClinVar:

ClinVar aggregate classification (germline): Uncertain significance (1 of 4 stars; one submission).

Conditions:
Pulmonary fibrosis and/or bone marrow failure, Telomere-related, 3. Also called: PULMONARY FIBROSIS AND/OR BONE MARROW FAILURE SYNDROME, TELOMERE-RELATED, 3. Identifiers: Orphanet 2032, MedGen C4225346, MONDO:0014613, OMIM 616373.
Dyskeratosis congenita, autosomal recessive 5 (DKCB5). Identifiers: MedGen C3554656, MONDO:0014076, OMIM 615190.

Submission:

Labcorp Genetics (formerly Invitae), Labcorp
Classification: Uncertain significance for Dyskeratosis congenita, autosomal recessive 5; Pulmonary fibrosis and/or bone marrow failure, Telomere-related, 3. Last evaluated: 2024-02-23. Review status: criteria provided, single submitter. Criteria: Invitae Variant Classification Sherloc (09022015). Collection method: clinical testing. Allele origin: germline.
Comment: This sequence change replaces phenylalanine, which is neutral and non-polar, with tyrosine, which is neutral and polar, at codon 964 of the RTEL1 protein (p.Phe964Tyr). This variant is not present in population databases (gnomAD no frequency). This variant has not been reported in the literature in individuals affected with RTEL1-related conditions. An algorithm developed to predict the effect of missense changes on protein structure and function (PolyPhen-2) suggests that this variant is likely to be tolerated. In summary, the available evidence is currently insufficient to determine the role of this variant in disease. Therefore, it has been classified as a Variant of Uncertain Significance.

NM_001283009.2(RTEL1):c.2891T>A (p.Phe964Tyr)

Genes: RTEL1 (regulator of telomere elongation helicase 1; plus strand), RTEL1-TNFRSF6B (RTEL1-TNFRSF6B readthrough (NMD candidate); plus strand). Cytogenetic location: 20q13.33.
Variant type: single nucleotide variant.
Coding change: c.2891T>A on transcript NM_001283009.2 (MANE Select); coding-DNA position 2891, T replaced by A.
Protein change: p.Phe964Tyr; replaces phenylalanine 964 with tyrosine.
Molecular consequence: missense variant. On other transcripts: non-coding transcript variant (1).
Genome position (GRCh38, 1-based): chr20:63,693,182, T>A. VCF-style: chr20-63693182-T-A. GRCh37 (hg19) VCF-style: chr20-62324535-T-A.
Other names: c.2222T>A, p.Phe741Tyr (NM_001283010.1); c.2891T>A, p.Phe964Tyr (NM_016434.4); c.2963T>A, p.Phe988Tyr (NM_032957.5); short protein forms F741Y, F964Y, F988Y.
Identifiers: ClinVar variation 3754880 (VCV003754880.2).
Genomic context (GRCh38, chr20:63,693,182, plus strand): 5'-CAGACGCCCCTTCCTCTACAGGCTTCTACCAGTTTGTGCGGCCCCACCATAAGCAGCAGT[T>A]TGAGGAGGTCTGTATCCAGCTGACAGGACGAGGCTGTGGCTATCGGCCTGAGCACAGCAT-3'
Protein context (NP_001269938.1, residues 954-974): QFVRPHHKQQ[Phe964Tyr]EEVCIQLTGR